The following is an entry in ClinVar:

ClinVar aggregate classification (germline): Benign (1 of 4 stars; one submission).

Conditions:
Peroxisome biogenesis disorder 7A (Zellweger). Also called: Peroxisome biogenesis disorder 7A. Identifiers: Orphanet 912, MedGen C3888385, MONDO:0013938, OMIM 614872.

Allele frequency attached by ClinVar (database versions not stated): gnomAD 0.02470 and 0.02655; TOPMed 0.02691; 1000 Genomes Project 0.02716; 1000 Genomes Project 30x 0.02764.

Submission:

Illumina Laboratory Services, Illumina
Classification: Benign for Peroxisome biogenesis disorder 7A (Zellweger). Last evaluated: 2018-01-12. Review status: criteria provided, single submitter. Criteria: ICSL Variant Classification Criteria 13 December 2019. Collection method: clinical testing. Allele origin: germline.
Comment: This variant was observed in the ICSL laboratory as part of a predisposition screen in an ostensibly healthy population. It had not been previously curated by ICSL or reported in the Human Gene Mutation Database (HGMD: prior to June 1st, 2018), and was therefore a candidate for classification through an automated scoring system. Utilizing variant allele frequency, disease prevalence and penetrance estimates, and inheritance mode, an automated score was calculated to assess if this variant is too frequent to cause the disease. Based on the score and internal cut-off values, a variant classified as benign is not then subjected to further curation. The score for this variant resulted in a classification of benign for this disease.

NM_001127649.3(PEX26):c.*2878C>T

Gene: PEX26 (peroxisomal biogenesis factor 26; plus strand). Cytogenetic location: 22q11.21.
Variant type: single nucleotide variant.
Coding change: c.*2878C>T on transcript NM_001127649.3 (MANE Select); 2878 bases downstream of the stop codon, C replaced by T.
Molecular consequence: 3 prime UTR variant.
Genome position (GRCh38, 1-based): chr22:18,090,953, C>T. VCF-style: chr22-18090953-C-T. GRCh37 (hg19) VCF-style: chr22-18573719-C-T.
Other names: c.*2878C>T (NM_001199319.2, NM_017929.6).
Identifiers: ClinVar variation 340820 (VCV000340820.5), dbSNP rs116424707, ClinGen allele CA10653861.